The following is an entry in ClinVar:

NM_014927.5(CNKSR2):c.2749G>C (p.Glu917Gln)

Gene: CNKSR2 (connector enhancer of kinase suppressor of Ras 2; plus strand). Cytogenetic location: Xp22.12.
Variant type: single nucleotide variant.
Coding change: c.2749G>C on transcript NM_014927.5 (MANE Select); coding-DNA position 2749, G replaced by C.
Protein change: p.Glu917Gln; replaces glutamic acid 917 with glutamine.
Molecular consequence: missense variant.
Genome position (GRCh38, 1-based): chrX:21,648,887, G>C. VCF-style: chrX-21648887-G-C. GRCh37 (hg19) VCF-style: chrX-21667005-G-C.
Other names: c.2659G>C, p.Glu887Gln (NM_001168647.3); c.2602G>C, p.Glu868Gln (NM_001330770.2); c.2512G>C, p.Glu838Gln (NM_001330772.2); short protein forms E838Q, E887Q, E868Q, E917Q.
Identifiers: ClinVar variation 1030445 (VCV001030445.1), dbSNP rs1288431232, ClinGen allele CA412553710.
Genomic context (GRCh38, chrX:21,648,887, plus strand): 5'-GCAGGTGAAAGCAGAGAAGAAAAGTTAGGAGACTCATTGCAAGATTTATACAGGGCACTG[G>C]AGCAGGCCAGTCTGTCACCACTAGGAGAACATCGTATTTCAACCAAGATGGAATACAAGC-3'
Protein context (NP_055742.2, residues 907-927): DSLQDLYRAL[Glu917Gln]QASLSPLGEH

ClinVar aggregate classification (germline): Uncertain significance (1 of 4 stars; one submission).

Conditions:
Intellectual developmental disorder, X-linked, syndromic, Houge type. Also called: MENTAL RETARDATION, X-LINKED, SYNDROMIC, HOUGE TYPE; Intellectual disability, X-linked, syndromic, Houge type. Identifiers: MedGen C4538788, MONDO:0030909, OMIM 301008.

Submission:

Baylor Genetics
Classification: Uncertain significance for Intellectual developmental disorder, X-linked, syndromic, Houge type. Last evaluated: 2020-11-08. Review status: criteria provided, single submitter. Criteria: ACMG Guidelines, 2015. Collection method: clinical testing. Allele origin: unknown. Affected: yes.
Comment: This variant was determined to be of uncertain significance according to ACMG Guidelines, 2015 [PMID:25741868].